The following is an entry in ClinVar:

NM_000179.3(MSH6):c.931_932insT (p.Lys311fs)

Gene: MSH6 (mutS homolog 6; plus strand). Cytogenetic location: 2p16.3.
Variant type: Insertion.
Coding change: c.931_932insT on transcript NM_000179.3 (MANE Select); coding-DNA positions 931 to 932, T inserted.
Protein change: p.Lys311fs; shifts the reading frame from lysine 311.
Molecular consequence: frameshift variant. On other transcripts: non-coding transcript variant (4), intron variant (1).
Genome position: GRCh38 VCF-style: chr2-47798914-A-AT. GRCh37 (hg19) VCF-style: chr2-48026053-A-AT.
Other names: c.541_542insT, p.Lys181fs (NM_001281492.2); c.25_26insT, p.Lys9fs (NM_001281493.2, NM_001281494.2, NM_001406811.1 and 6 more transcripts); c.1027_1028insT, p.Lys343fs (NM_001406795.1, NM_001406802.1); c.931_932insT, p.Lys311fs (NM_001406796.1, NM_001406798.1, NM_001406800.1 and 4 more transcripts); c.634_635insT, p.Lys212fs (NM_001406797.1, NM_001406801.1, NM_001406805.1 and 10 more transcripts); c.406_407insT, p.Lys136fs (NM_001406799.1, NM_001406806.1, NM_001406807.1); c.853_854insT, p.Lys285fs (NM_001406804.1); c.937_938insT, p.Lys313fs (NM_001406813.1); and 2 more; short protein forms K181fs, K212fs, K9fs, K285fs, K255fs, K313fs, K343fs, K136fs.
Identifiers: ClinVar variation 2707735 (VCV002707735.4), dbSNP rs2530579094, ClinGen allele CA2697548122.

ClinVar aggregate classification (germline): Pathogenic. Review status: criteria provided, multiple submitters, no conflicts (2 of 4 stars). 2 submissions from 2 submitters: Pathogenic (2). Last evaluated 2024-01-05.

Conditions:
Hereditary nonpolyposis colorectal neoplasms. Identifiers: MedGen C0009405, MeSH D003123.
Hereditary cancer-predisposing syndrome. Also called: Neoplastic Syndromes, Hereditary; Tumor predisposition; Hereditary Cancer Syndrome; Hereditary neoplastic syndrome. Identifiers: Orphanet 140162, MedGen C0027672, MeSH D009386, MONDO:0015356.

Submissions (2):

Labcorp Genetics (formerly Invitae), Labcorp
Classification: Pathogenic for Hereditary nonpolyposis colorectal neoplasms. Last evaluated: 2024-01-05. Review status: criteria provided, single submitter. Criteria: Invitae Variant Classification Sherloc (09022015). Collection method: clinical testing. Allele origin: germline.
Comment: This sequence change creates a premature translational stop signal (p.Lys311Ilefs*6) in the MSH6 gene. It is expected to result in an absent or disrupted protein product. Loss-of-function variants in MSH6 are known to be pathogenic (PMID: 18269114, 24362816). This variant is not present in population databases (gnomAD no frequency). This variant has not been reported in the literature in individuals affected with MSH6-related conditions. For these reasons, this variant has been classified as Pathogenic.

Ambry Genetics
Classification: Pathogenic for Hereditary cancer-predisposing syndrome. Last evaluated: 2023-10-25. Review status: criteria provided, single submitter. Criteria: Ambry Variant Classification Scheme 2023. Collection method: clinical testing. Allele origin: germline.
Comment: The c.931_932insT pathogenic mutation, located in coding exon 4 of the MSH6 gene, results from an insertion of one nucleotide at position 931, causing a translational frameshift with a predicted alternate stop codon (p.K311Ifs*6). This alteration is expected to result in loss of function by premature protein truncation or nonsense-mediated mRNA decay. As such, this alteration is interpreted as a disease-causing mutation.

Literature cited by the submitters: PubMed 18269114 (cited by Labcorp Genetics (formerly Invitae), Labcorp); PubMed 24362816 (cited by Labcorp Genetics (formerly Invitae), Labcorp).